The following is an entry in ClinVar:

ClinVar aggregate classification (germline): Uncertain significance (1 of 4 stars; one submission).

Conditions:
Hypercalcemia, infantile, 2 (HCINF2). Identifiers: Orphanet 300547, MedGen C4310473, MONDO:0014851, OMIM 616963.
Fanconi renotubular syndrome 2 (FRTS2). Identifiers: MedGen C3150652, MONDO:0013247, OMIM 613388.
Hypophosphatemic nephrolithiasis/osteoporosis 1. Identifiers: Orphanet 244305, MedGen C2676786, MONDO:0012850, OMIM 612286.

Submission:

Rare Kidney Stone Consortium and the Mayo Clinic Hyperoxaluria Center, Mayo Clinic
Classification: Uncertain significance for Fanconi renotubular syndrome 2; Hypercalcemia, infantile, 2; Hypophosphatemic nephrolithiasis/osteoporosis 1. Last evaluated: 2025-05-01. Review status: criteria provided, single submitter. Criteria: ACMG Guidelines, 2015. Collection method: research. Allele origin: germline.
Comment: ACMG: PM2, PP3, PP4

heterozygote.

Literature cited by the submitters: PubMed 34805638.

NM_003052.5(SLC34A1):c.1175-3C>T

Gene: SLC34A1 (solute carrier family 34 member 1; plus strand). Cytogenetic location: 5q35.3.
Variant type: single nucleotide variant.
Coding change: c.1175-3C>T on transcript NM_003052.5 (MANE Select); 3 bases into the intron before coding-DNA position 1175, C replaced by T.
Molecular consequence: intron variant.
Genome position (GRCh38, 1-based): chr5:177,396,730, C>T. VCF-style: chr5-177396730-C-T. GRCh37 (hg19) VCF-style: chr5-176823731-C-T.
Identifiers: ClinVar variation 4074270 (VCV004074270.1).